The following is an entry in ClinVar:

ClinVar aggregate classification (germline): Conflicting classifications of pathogenicity. Review status: criteria provided, conflicting classifications (1 of 4 stars). 12 submissions from 11 submitters: Uncertain significance (2); Benign (1); Likely benign (7). 2 of the submissions do not count toward it. Last evaluated 2026-01-28.

Conditions:
RAD51C-related disorder. Also called: RAD51C-related condition; RAD51C-related disorders.
Hereditary cancer-predisposing syndrome. Also called: Tumor predisposition; Neoplastic Syndromes, Hereditary; Hereditary Cancer Syndrome; Hereditary neoplastic syndrome. Identifiers: Orphanet 140162, MedGen C0027672, MeSH D009386, MONDO:0015356.
Fanconi anemia complementation group O. Also called: RAD51C-Related Fanconi Anemia. Identifiers: Orphanet 84, MedGen C3150653, MONDO:0013248, OMIM 613390.
Breast-ovarian cancer, familial, susceptibility to, 3. Also called: RAD51C-Related Breast/Ovarian Cancer. Identifiers: Orphanet 145, MedGen C3150659, MONDO:0013253, OMIM 613399.

Allele frequency attached by ClinVar (database versions not stated): gnomAD exomes below 0.00001 and 0.00001; TOPMed 0.00002.
gnomAD v4.1: 20 of 1,614,220 alleles (0.0012%); highest among the groups gnomAD compares: Non-Finnish European, 0.0015%; no homozygotes.

Submissions (12):

Labcorp Genetics (formerly Invitae), Labcorp
Classification: Likely benign for Fanconi anemia complementation group O. Last evaluated: 2026-01-28. Review status: criteria provided, single submitter. Criteria: Invitae Variant Classification Sherloc (09022015). Collection method: clinical testing. Allele origin: germline.

CeGaT Center for Human Genetics Tuebingen
Classification: Likely benign. Last evaluated: 2026-01-01. Review status: criteria provided, single submitter. Criteria: CeGaT Center For Human Genetics Tuebingen Variant Classification Criteria Version 2. Collection method: clinical testing. Allele origin: germline. Affected: yes. Observed: 2 variant alleles.
Comment: RAD51C: BP4, BP7

Myriad Genetics, Inc.
Classification: Benign for Breast-ovarian cancer, familial, susceptibility to, 3. Last evaluated: 2025-02-14. Review status: criteria provided, single submitter. Criteria: Myriad Autosomal Dominant, Autosomal Recessive and X-Linked Classification Criteria (2023). Collection method: clinical testing. Allele origin: unknown.
Comment: This variant is considered benign. This variant is a silent/synonymous amino acid change and it is not expected to impact splicing.

Blueprint Genetics
Classification: Likely benign. Last evaluated: 2024-11-21. Review status: criteria provided, single submitter. Criteria: ACMG Guidelines, 2015. Collection method: clinical testing. Allele origin: germline.

Sema4
Classification: Likely benign for Hereditary cancer-predisposing syndrome. Last evaluated: 2021-05-06. Review status: criteria provided, single submitter. Criteria: Sema4 Curation Guidelines. Collection method: curation. Allele origin: germline.

GeneDx
Classification: Likely benign. Last evaluated: 2019-11-20. Review status: criteria provided, single submitter. Criteria: GeneDx Variant Classification Process June 2021. Collection method: clinical testing. Allele origin: germline. Affected: yes.
Comment: This variant is associated with the following publications: (PMID: 21990120)

Illumina Laboratory Services, Illumina
Classification: Uncertain significance for Breast-ovarian cancer, familial, susceptibility to, 3. Last evaluated: 2018-01-13. Review status: criteria provided, single submitter. Criteria: ICSL Variant Classification Criteria 13 December 2019. Collection method: clinical testing. Allele origin: germline.

Illumina Laboratory Services, Illumina
Classification: Uncertain significance for Fanconi anemia complementation group O. Last evaluated: 2018-01-13. Review status: criteria provided, single submitter. Criteria: ICSL Variant Classification Criteria 13 December 2019. Collection method: clinical testing. Allele origin: germline.

Color Diagnostics, LLC DBA Color Health
Classification: Likely benign for Hereditary cancer-predisposing syndrome. Last evaluated: 2017-07-21. Review status: criteria provided, single submitter. Criteria: ACMG Guidelines, 2015. Collection method: clinical testing. Allele origin: germline.

Ambry Genetics
Classification: Likely benign for Hereditary cancer-predisposing syndrome. Last evaluated: 2014-10-29. Review status: criteria provided, single submitter. Criteria: Ambry Variant Classification Scheme 2023. Collection method: clinical testing. Allele origin: germline.

PreventionGenetics, part of Exact Sciences
Classification: Likely benign for RAD51C-related condition. Last evaluated: 2023-11-21. Review status: no assertion criteria provided. Collection method: clinical testing. Allele origin: germline. Not counted in ClinVar's aggregate classification.
Comment: This variant is classified as likely benign based on ACMG/AMP sequence variant interpretation guidelines (Richards et al. 2015 PMID: 25741868, with internal and published modifications).

Leiden Open Variation Database
Classification: Likely benign. Last evaluated: 2012-01-29. Review status: no assertion criteria provided. Collection method: curation. Allele origin: germline. Affected: yes. Not counted in ClinVar's aggregate classification.
Comment: Curator: Arleen D. Auerbach. Submitter to LOVD: Ian Campbell.

Literature cited by the submitters: PubMed 21990120 (cited by Leiden Open Variation Database).

NM_058216.3(RAD51C):c.87T>C (p.Ser29=)

Gene: RAD51C (RAD51 paralog C; plus strand). Cytogenetic location: 17q22.
Variant type: single nucleotide variant.
Coding change: c.87T>C on transcript NM_058216.3 (MANE Select); coding-DNA position 87, T replaced by C.
Protein change: p.Ser29=; no amino-acid change (serine 29 retained).
Molecular consequence: synonymous variant. On other transcripts: non-coding transcript variant (1).
Genome position (GRCh38, 1-based): chr17:58,692,730, T>C. VCF-style: chr17-58692730-T-C. GRCh37 (hg19) VCF-style: chr17-56770091-T-C.
Other names: c.87T>C, p.Ser29= (NM_002876.4).
Identifiers: ClinVar variation 186825 (VCV000186825.48), dbSNP rs786203249, ClinGen allele CA195977.